The following is an entry in ClinVar:

ClinVar aggregate classification (germline): Uncertain significance. Review status: criteria provided, multiple submitters, no conflicts (2 of 4 stars). 2 submissions from 2 submitters: Uncertain significance (2). Last evaluated 2025-01-31.

Conditions:
Cardiovascular phenotype. Identifiers: MedGen CN230736.
Catecholaminergic polymorphic ventricular tachycardia 1. Also called: VENTRICULAR TACHYCARDIA, CATECHOLAMINERGIC POLYMORPHIC, 1, WITH OR WITHOUT ATRIAL DYSFUNCTION AND/OR DILATED CARDIOMYOPATHY; VENTRICULAR TACHYCARDIA, STRESS-INDUCED POLYMORPHIC 1; RYR2-Related Catecholaminergic Polymorphic Ventricular Tachycardia. Identifiers: Orphanet 3286, MedGen C1631597, MONDO:0011484, OMIM 604772.

Submissions (2):

Labcorp Genetics (formerly Invitae), Labcorp
Classification: Uncertain significance for Catecholaminergic polymorphic ventricular tachycardia 1. Last evaluated: 2025-01-31. Review status: criteria provided, single submitter. Criteria: Invitae Variant Classification Sherloc (09022015). Collection method: clinical testing. Allele origin: germline.
Comment: This variant, c.1047_1049del, results in the deletion of 1 amino acid(s) of the CASQ2 protein (p.Asp351del), but otherwise preserves the integrity of the reading frame. This variant is not present in population databases (gnomAD no frequency). This variant has not been reported in the literature in individuals affected with CASQ2-related conditions. Experimental studies and prediction algorithms are not available or were not evaluated, and the functional significance of this variant is currently unknown. In summary, the available evidence is currently insufficient to determine the role of this variant in disease. Therefore, it has been classified as a Variant of Uncertain Significance.

Ambry Genetics
Classification: Uncertain significance for Cardiovascular phenotype. Last evaluated: 2022-08-26. Review status: criteria provided, single submitter. Criteria: Ambry Variant Classification Scheme 2023. Collection method: clinical testing. Allele origin: germline.
Comment: The c.1047_1049delTGA variant (also known as p.D351del) is located in coding exon 11 of the CASQ2 gene. This variant results from an in-frame TGA deletion at nucleotide positions 1047 to 1049. This results in the in-frame deletion of an aspartic acid at codon 351. This amino acid position is highly conserved in available vertebrate species. Since supporting evidence is limited at this time, the clinical significance of this alteration remains unclear.

NM_001232.4(CASQ2):c.1044TGA[1] (p.Asp351del)

Gene: CASQ2 (calsequestrin 2; minus strand). Cytogenetic location: 1p13.1.
Variant type: Microsatellite.
Coding change: c.1044TGA[1] on transcript NM_001232.4 (MANE Select); one copy of the 3-base unit TGA starting at c.1044; the reference has two copies in a row; one copy, 3 bases deleted.
Protein change: p.Asp351del; deletes aspartic acid 351.
Molecular consequence: inframe deletion. On other transcripts: inframe indel (2).
Genome position (GRCh38, 1-based): chr1:115,701,392-115,701,394, TCA deleted on the plus strand (TGA on the coding strand, the reverse complement: CASQ2 is on the minus strand); deleting any 3 consecutive bases within chr1:115,701,392-115,701,399 gives the same sequence; the position shown is the placement nearest the transcript's 3' end. VCF-style (leftmost placement, unchanged base first): chr1-115701391-GTCA-G. GRCh37 (hg19) VCF-style: chr1-116244012-GTCA-G.
Other names: c.1042_1044GAT[1], p.Asp351del (NM_001232.3); c.1047_1049delTGA (NM_001232.3); short protein forms D351del.
Identifiers: ClinVar variation 1775584 (VCV001775584.4), dbSNP rs1450327508, ClinGen allele CA885933886.